The following is an entry in ClinVar:

ClinVar aggregate classification (germline): Uncertain significance. Review status: reviewed by expert panel (3 of 4 stars). 4 submissions from 4 submitters: Uncertain significance (1). 3 of the submissions do not count toward it. Last evaluated 2025-10-08.

Conditions:
Constitutional megaloblastic anemia with severe neurologic disease. Also called: DHFR DEFICIENCY. Identifiers: Orphanet 319651, MedGen C3151205, MONDO:0013456, OMIM 613839.
Inborn genetic diseases. Identifiers: MedGen C0950123, MeSH D030342.
Open-angle glaucoma. Identifiers: MedGen C0017612, MONDO:0005338, HP:0012108.
Glaucoma 1, open angle, A (GLC1A). Also called: Glaucoma, Dominant (Juvenile Onset). Identifiers: Orphanet 98977, MedGen C1842028, MONDO:0007664, OMIM 137750.

Allele frequency attached by ClinVar (database versions not stated): TOPMed below 0.00001; gnomAD 0.00001.
gnomAD v4.1: 9 of 1,614,064 alleles (0.00056%); highest among the groups gnomAD compares: African/African-American, 0.0013%; no homozygotes.

Submissions (4):

ClinGen Glaucoma Variant Curation Expert Panel
Classification: Uncertain significance for Open-angle glaucoma. Last evaluated: 2025-10-08. Review status: reviewed by expert panel. Criteria: ClinGen Glaucoma ACMG Specifications V2.0.0 Approved. Collection method: curation. Allele origin: germline. Inheritance: Autosomal dominant inheritance.
Comment: The c.1349A>G variant in MYOC is a missense variant predicted to cause substitution of Asparagine by Serine at amino acid 450 (p.Asn450Ser). The highest minor allele frequency of this variant was in the Ashkenazi Jewish genetic ancestry group of gnomAD (v4.1.0) = 0.0001013 (3 alleles out of 29,608), which did not meet the PM2_Supporting allele frequency threshold (≤ 0.0001) or the BS1 allele frequency threshold (≥ 0.001). The REVEL score = 0.551, which was neither above nor below the thresholds for PP3 (≥ 0.644) or BP4 (≤ 0.290), predicting a damaging or benign impact on MYOC function. There was no functional evidence predicting a damaging or benign impact of this variant on MYOC function. Although a proband with primary open angle glaucoma had been reported carrying this variant, PM2_Supporting was not met, therefore PS4 did not apply. In summary, this variant did not meet any criteria, receiving a score of 0 and a classification as a variant of uncertain significance (uncertain significance classification range -1 to 5, adapted from PMID: 32720330) for primary open angle glaucoma based on the ACMG/AMP criteria met, as specified by the ClinGen Glaucoma VCEP (v2.0.0, 5 Dec 2024): none.

Genomic Medicine Center of Excellence, King Faisal Specialist Hospital and Research Centre
Classification: Uncertain significance for Constitutional megaloblastic anemia with severe neurologic disease. Last evaluated: 2025-09-10. Review status: criteria provided, single submitter. Criteria: ACMG Guidelines, 2015. Collection method: clinical testing. Allele origin: germline. Not counted in ClinVar's aggregate classification.

Ambry Genetics
Classification: Uncertain significance for Inborn genetic diseases. Last evaluated: 2021-09-15. Review status: criteria provided, single submitter. Criteria: Ambry Variant Classification Scheme 2023. Collection method: clinical testing. Allele origin: germline. Not counted in ClinVar's aggregate classification.

Genetics and Molecular Pathology, SA Pathology
Classification: Uncertain significance for Glaucoma 1, open angle, A. Last evaluated: 2020-11-17. Review status: criteria provided, single submitter. Criteria: ACMG Guidelines, 2015. Collection method: clinical testing. Allele origin: germline. Affected: yes. Not counted in ClinVar's aggregate classification.

NM_000261.2(MYOC):c.1349A>G (p.Asn450Ser)

Gene: MYOC (myocilin; minus strand). Cytogenetic location: 1q24.3.
Variant type: single nucleotide variant.
Coding change: c.1349A>G on transcript NM_000261.2 (MANE Select); coding-DNA position 1349, A replaced by G.
Protein change: p.Asn450Ser; replaces asparagine 450 with serine.
Molecular consequence: missense variant.
Genome position (GRCh38, 1-based): chr1:171,636,091, T>C on the plus strand (A>G on the coding strand, the complement: MYOC is on the minus strand). VCF-style: chr1-171636091-T-C. GRCh37 (hg19) VCF-style: chr1-171605231-T-C.
Other names: NM_000261.2:c.1349A>G; short protein forms N450S.
Identifiers: ClinVar variation 1803197 (VCV001803197.7), dbSNP rs1356088463, ClinGen allele CA343723635.